The following is an entry in ClinVar:

NM_024577.4(SH3TC2):c.1832A>G (p.His611Arg)

Gene: SH3TC2 (SH3 domain and tetratricopeptide repeats 2; minus strand). Cytogenetic location: 5q32.
Variant type: single nucleotide variant.
Coding change: c.1832A>G on transcript NM_024577.4 (MANE Select); coding-DNA position 1832, A replaced by G.
Protein change: p.His611Arg; replaces histidine 611 with arginine.
Molecular consequence: missense variant.
Genome position (GRCh38, 1-based): chr5:149,027,900, T>C on the plus strand (A>G on the coding strand, the complement: SH3TC2 is on the minus strand). VCF-style: chr5-149027900-T-C. GRCh37 (hg19) VCF-style: chr5-148407463-T-C.
Other names: c.1832A>G (NM_024577.3); short protein forms H611R.
Identifiers: ClinVar variation 1513909 (VCV001513909.7), dbSNP rs1252838387, ClinGen allele CA361667633.
Genomic context (GRCh38, chr5:149,027,900, plus strand): 5'-AGCGGGCTGCTGCCCACCACAATCCCCTGGCGCAGCACGTAGGCCACCACGTCGAGTTCA[T>C]GCTTGGCACTAGACTCACGGTCAGGCAGGCAGGCCAGCAGGGCACCTGCCTTTTCCAACA-3'
Protein context (NP_078853.2, residues 601-621): CLPDRESSAK[His611Arg]ELDVVAYVLR

ClinVar aggregate classification (germline): Uncertain significance. Review status: criteria provided, multiple submitters, no conflicts (2 of 4 stars). 2 submissions from 2 submitters: Uncertain significance (2). Last evaluated 2026-05-11.

Conditions:
Charcot-Marie-Tooth disease type 4. Also called: Charcot-Marie-Tooth disease, type IV; Charcot-Marie-Tooth, Type 4. Identifiers: Orphanet 64749, MedGen C4082197, MONDO:0018995.
Inborn genetic diseases. Identifiers: MedGen C0950123, MeSH D030342.

Allele frequency attached by ClinVar (database versions not stated): TOPMed 0.00001; gnomAD exomes below 0.00001 and 0.00001; gnomAD 0.00001.
gnomAD v4.1: 11 of 1,613,890 alleles (0.00068%); highest among the groups gnomAD compares: Non-Finnish European, 0.00093%; no homozygotes.

Submissions (2):

Ambry Genetics
Classification: Uncertain significance for Inborn genetic diseases. Last evaluated: 2026-05-11. Review status: criteria provided, single submitter. Criteria: Ambry Variant Classification Scheme 2023. Collection method: clinical testing. Allele origin: germline.
Comment: The c.1832A>G (p.H611R) alteration is located in exon 11 (coding exon 11) of the SH3TC2 gene. This alteration results from a A to G substitution at nucleotide position 1832, causing the histidine (H) at amino acid position 611 to be replaced by an arginine (R). Based on data from gnomAD, the G allele has an overall frequency of <0.001% (1/251006) total alleles studied. The highest observed frequency was 0.001% (1/113400) of European (non-Finnish) alleles. Based on insufficient or conflicting evidence, the clinical significance of this alteration remains unclear.

Labcorp Genetics (formerly Invitae), Labcorp
Classification: Uncertain significance for Charcot-Marie-Tooth disease type 4. Last evaluated: 2021-08-05. Review status: criteria provided, single submitter. Criteria: Invitae Variant Classification Sherloc (09022015). Collection method: clinical testing. Allele origin: germline.
Comment: This variant is not present in population databases (ExAC no frequency). This sequence change replaces histidine with arginine at codon 611 of the SH3TC2 protein (p.His611Arg). The histidine residue is weakly conserved and there is a small physicochemical difference between histidine and arginine. This variant has not been reported in the literature in individuals affected with SH3TC2-related conditions. Advanced modeling of protein sequence and biophysical properties (such as structural, functional, and spatial information, amino acid conservation, physicochemical variation, residue mobility, and thermodynamic stability) performed at Invitae indicates that this missense variant is not expected to disrupt SH3TC2 protein function. In summary, the available evidence is currently insufficient to determine the role of this variant in disease. Therefore, it has been classified as a Variant of Uncertain Significance.